The following is an entry in ClinVar:

ClinVar aggregate classification (germline): Uncertain significance (1 of 4 stars; one submission).

Conditions:
Severe combined immunodeficiency due to DNA-PKcs deficiency. Also called: IMMUNODEFICIENCY 26 WITH NEUROLOGIC ABNORMALITIES; Immunodeficiency 26 with or without neurologic abnormalities. Identifiers: Orphanet 317425, MedGen C4014833, MONDO:0014423, OMIM 615966.

Allele frequency attached by ClinVar (database versions not stated): gnomAD exomes below 0.00001 and 0.00001; TOPMed 0.00001; ExAC 0.00002.
gnomAD v4.1: 4 of 1,601,998 alleles (0.00025%); highest among the groups gnomAD compares: Non-Finnish European, 0.00034%; no homozygotes.

Submission:

Labcorp Genetics (formerly Invitae), Labcorp
Classification: Uncertain significance for Severe combined immunodeficiency due to DNA-PKcs deficiency. Last evaluated: 2023-12-11. Review status: criteria provided, single submitter. Criteria: Invitae Variant Classification Sherloc (09022015). Collection method: clinical testing. Allele origin: germline.
Comment: This sequence change replaces isoleucine, which is neutral and non-polar, with valine, which is neutral and non-polar, at codon 2251 of the PRKDC protein (p.Ile2251Val). This variant is present in population databases (rs753817792, gnomAD 0.002%). This variant has not been reported in the literature in individuals affected with PRKDC-related conditions. ClinVar contains an entry for this variant (Variation ID: 1431812). Advanced modeling of protein sequence and biophysical properties (such as structural, functional, and spatial information, amino acid conservation, physicochemical variation, residue mobility, and thermodynamic stability) performed at Invitae indicates that this missense variant is not expected to disrupt PRKDC protein function with a negative predictive value of 80%. In summary, the available evidence is currently insufficient to determine the role of this variant in disease. Therefore, it has been classified as a Variant of Uncertain Significance.

NM_006904.7(PRKDC):c.6751A>G (p.Ile2251Val)

Gene: PRKDC (protein kinase, DNA-activated, catalytic subunit; minus strand). Cytogenetic location: 8q11.21.
Variant type: single nucleotide variant.
Coding change: c.6751A>G on transcript NM_006904.7 (MANE Select); coding-DNA position 6751, A replaced by G.
Protein change: p.Ile2251Val; replaces isoleucine 2251 with valine.
Molecular consequence: missense variant.
Genome position (GRCh38, 1-based): chr8:47,855,232, T>C on the plus strand (A>G on the coding strand, the complement: PRKDC is on the minus strand). VCF-style: chr8-47855232-T-C. GRCh37 (hg19) VCF-style: chr8-48767793-T-C.
Other names: c.6751A>G, p.Ile2251Val (NM_001081640.2); short protein forms I2251V.
Identifiers: ClinVar variation 1431812 (VCV001431812.6), dbSNP rs753817792, ClinGen allele CA4740279.
Genomic context (GRCh38, chr8:47,855,232, plus strand): 5'-ACATTTTAACCTAAATTTCTAAACAATACTGCAAAAACCAGTAAACATACCTATAAGGGA[T>C]GGATAAACAATCCTTCCAGCACTCGACAAGGGTCTTTATAATTTCAAGGTTGTGTCTAAA-3'
Protein context (NP_008835.5, residues 2241-2261): LVECWKDCLS[Ile2251Val]PYRLIFEKFS